The following is an entry in ClinVar:

ClinVar aggregate classification (germline): Uncertain significance. Review status: criteria provided, multiple submitters, no conflicts (2 of 4 stars). 8 submissions from 7 submitters: Uncertain significance (7). 1 of the submissions does not count toward it. Last evaluated 2026-08-05.

Conditions:
Pituitary adenoma 5, multiple types. Identifiers: MedGen C4539685, MONDO:0054601, OMIM 617540.
Autosomal recessive nonsyndromic hearing loss 12. Also called: DEAFNESS, AUTOSOMAL RECESSIVE 12. Identifiers: Orphanet 90636, MedGen C1832394, MONDO:0011067, OMIM 601386.
Usher syndrome type 1D (USH1D). Also called: USHER SYNDROME, TYPE ID. Identifiers: Orphanet 231169, Orphanet 886, MedGen C1832845, MONDO:0010984, OMIM 601067.
CDH23-related disorder. Also called: CDH23-related condition; CDH23-related disorders.
Usher syndrome type 1 (USH1). Also called: RETINITIS PIGMENTOSA AND CONGENITAL DEAFNESS. Identifiers: Orphanet 231169, Orphanet 886, MedGen C1568247, MONDO:0010168, OMIM 276900.

Allele frequency attached by ClinVar (database versions not stated): gnomAD 0.00003 and 0.00004; TOPMed 0.00004; ExAC 0.00005; gnomAD exomes 0.00007.
gnomAD v4.1: 36 of 1,613,464 alleles (0.0022%); highest among the groups gnomAD compares: Admixed American, 0.038%; no homozygotes.

Submissions (8):

PreventionGenetics, part of Exact Sciences
Classification: Uncertain significance for CDH23-related condition. Last evaluated: 2026-08-05. Review status: criteria provided, single submitter. Criteria: ACMG Guidelines, 2015. Collection method: clinical testing. Allele origin: germline.
Comment: The CDH23 c.9616C>T variant is predicted to result in the amino acid substitution p.Arg3206Cys. This variant has been reported in an individual with hearing loss along with a second CDH23 variant (Sommen et al. 2016. PubMed ID: 27068579). This variant is reported in 0.045% of alleles in individuals of Latino descent in gnomAD. At this time, the clinical significance of this variant is uncertain due to the absence of conclusive functional and genetic evidence.

Labcorp Genetics (formerly Invitae), Labcorp
Classification: Uncertain significance. Last evaluated: 2024-11-11. Review status: criteria provided, single submitter. Criteria: Invitae Variant Classification Sherloc (09022015). Collection method: clinical testing. Allele origin: germline.
Comment: This sequence change replaces arginine, which is basic and polar, with cysteine, which is neutral and slightly polar, at codon 3206 of the CDH23 protein (p.Arg3206Cys). This variant is present in population databases (rs778711089, gnomAD 0.04%). This missense change has been observed in individual(s) with clinical features of CDH23-related conditions (PMID: 27068579). ClinVar contains an entry for this variant (Variation ID: 300474). Invitae Evidence Modeling of protein sequence and biophysical properties (such as structural, functional, and spatial information, amino acid conservation, physicochemical variation, residue mobility, and thermodynamic stability) has been performed for this missense variant. However, the output from this modeling did not meet the statistical confidence thresholds required to predict the impact of this variant on CDH23 protein function. In summary, the available evidence is currently insufficient to determine the role of this variant in disease. Therefore, it has been classified as a Variant of Uncertain Significance.

GeneDx
Classification: Uncertain significance. Last evaluated: 2024-09-11. Review status: criteria provided, single submitter. Criteria: GeneDx Variant Classification Process June 2021. Collection method: clinical testing. Allele origin: germline. Affected: yes.
Comment: Reported in an individual with nonsyndromic hearing loss who harbored an additional variant in the CDH23 gene, although segregation data was not provided to confirm the phase of these two variants (PMID: 27068579); In silico analysis supports that this missense variant does not alter protein structure/function; This variant is associated with the following publications: (PMID: 27068579, 15537665)

Blueprint Genetics
Classification: Uncertain significance. Last evaluated: 2024-06-12. Review status: criteria provided, single submitter. Criteria: ACMG Guidelines, 2015. Collection method: clinical testing. Allele origin: germline.

Fulgent Genetics
Classification: Uncertain significance for Usher syndrome type 1D; Autosomal recessive nonsyndromic hearing loss 12; Pituitary adenoma 5, multiple types. Last evaluated: 2021-07-05. Review status: criteria provided, single submitter. Criteria: ACMG Guidelines, 2015. Collection method: clinical testing. Allele origin: unknown.

Illumina Laboratory Services, Illumina
Classification: Uncertain significance for Usher syndrome type 1D. Last evaluated: 2018-01-12. Review status: criteria provided, single submitter. Criteria: ICSL Variant Classification Criteria 13 December 2019. Collection method: clinical testing. Allele origin: germline.

Illumina Laboratory Services, Illumina
Classification: Uncertain significance for Autosomal recessive nonsyndromic hearing loss 12. Last evaluated: 2018-01-12. Review status: criteria provided, single submitter. Criteria: ICSL Variant Classification Criteria 13 December 2019. Collection method: clinical testing. Allele origin: germline.

Natera, Inc.
Classification: Uncertain significance for Usher syndrome type 1. Last evaluated: 2020-01-31. Review status: no assertion criteria provided. Collection method: clinical testing. Allele origin: germline. Not counted in ClinVar's aggregate classification.

Literature cited by the submitters: PubMed 27068579 (cited by Labcorp Genetics (formerly Invitae), Labcorp).

NM_022124.6(CDH23):c.9616C>T (p.Arg3206Cys)

Gene: CDH23 (cadherin related 23; plus strand). Cytogenetic location: 10q22.1.
Variant type: single nucleotide variant.
Coding change: c.9616C>T on transcript NM_022124.6 (MANE Select); coding-DNA position 9616, C replaced by T.
Protein change: p.Arg3206Cys; replaces arginine 3206 with cysteine.
Molecular consequence: missense variant.
Genome position (GRCh38, 1-based): chr10:71,812,873, C>T. VCF-style: chr10-71812873-C-T. GRCh37 (hg19) VCF-style: chr10-73572630-C-T.
Other names: c.2896C>T, p.Arg966Cys (NM_001171933.1, NM_001171934.1); c.307C>T, p.Arg103Cys (NM_001171935.1, NM_001171936.1); short protein forms R3206C, R103C, R966C.
Identifiers: ClinVar variation 300474 (VCV000300474.18), dbSNP rs778711089, ClinGen allele CA5547135.